The following is an entry in ClinVar:

ClinVar aggregate classification (germline): Uncertain significance (1 of 4 stars; one submission).

Allele frequency attached by ClinVar (database versions not stated): gnomAD exomes below 0.00001.
gnomAD v4.1: 1 of 1,613,726 alleles (0.000062%); highest among the groups gnomAD compares: South Asian, 0.0011%; no homozygotes.

Submission:

Labcorp Genetics (formerly Invitae), Labcorp
Classification: Uncertain significance. Last evaluated: 2022-07-19. Review status: criteria provided, single submitter. Criteria: Invitae Variant Classification Sherloc (09022015). Collection method: clinical testing. Allele origin: germline.
Comment: In summary, the available evidence is currently insufficient to determine the role of this variant in disease. Therefore, it has been classified as a Variant of Uncertain Significance. Algorithms developed to predict the effect of sequence changes on RNA splicing suggest that this variant may disrupt the consensus splice site. Algorithms developed to predict the effect of missense changes on protein structure and function are either unavailable or do not agree on the potential impact of this missense change (SIFT: "Tolerated"; PolyPhen-2: "Not Available"; Align-GVGD: "Class C0"). This variant has not been reported in the literature in individuals affected with COL7A1-related conditions. This variant is not present in population databases (gnomAD no frequency). This sequence change replaces aspartic acid, which is acidic and polar, with glycine, which is neutral and non-polar, at codon 1681 of the COL7A1 protein (p.Asp1681Gly).

NM_000094.4(COL7A1):c.5042A>G (p.Asp1681Gly)

Gene: COL7A1 (collagen type VII alpha 1 chain; minus strand). Cytogenetic location: 3p21.31.
Variant type: single nucleotide variant.
Coding change: c.5042A>G on transcript NM_000094.4 (MANE Select); coding-DNA position 5042, A replaced by G.
Protein change: p.Asp1681Gly; replaces aspartic acid 1681 with glycine.
Molecular consequence: missense variant.
Genome position (GRCh38, 1-based): chr3:48,580,591, T>C on the plus strand (A>G on the coding strand, the complement: COL7A1 is on the minus strand). VCF-style: chr3-48580591-T-C. GRCh37 (hg19) VCF-style: chr3-48618024-T-C.
Other names: short protein forms D1681G.
Identifiers: ClinVar variation 2067051 (VCV002067051.4), dbSNP rs2531086757, ClinGen allele CA352679389.